The following is an entry in ClinVar:

NM_145068.4(TRPV3):c.*2611G>A

Genes: SPATA22 (spermatogenesis associated 22; minus strand), TRPV3 (transient receptor potential cation channel subfamily V member 3; minus strand). Cytogenetic location: 17p13.2.
Variant type: single nucleotide variant.
Coding change: c.*2611G>A on transcript NM_145068.4 (MANE Select); 2611 bases downstream of the stop codon, G replaced by A.
Molecular consequence: 3 prime UTR variant. On other transcripts: intron variant (2).
Genome position (GRCh38, 1-based): chr17:3,511,306, C>T on the plus strand (G>A on the coding strand, the complement: TRPV3 is on the minus strand). VCF-style: chr17-3511306-C-T. GRCh37 (hg19) VCF-style: chr17-3414600-C-T.
Other names: c.*2611G>A (NM_001258205.2); c.-74+2106G>A (NM_001321336.2, NM_001321337.2).
Identifiers: ClinVar variation 322690 (VCV000322690.7), dbSNP rs147744836, ClinGen allele CA10645339.

ClinVar aggregate classification (germline): Benign (1 of 4 stars; one submission).

Conditions:
Isolated focal non-epidermolytic palmoplantar keratoderma. Also called: Palmoplantar keratoderma, nonepidermolytic, focal 2. Identifiers: Orphanet 448264, MedGen C4225339, MONDO:0014622, OMIM 616400.

Allele frequency attached by ClinVar (database versions not stated): 1000 Genomes Project 30x 0.00250; TOPMed 0.00464; gnomAD 0.00486 and 0.00484; 1000 Genomes Project 0.00280.

Submission:

Illumina Laboratory Services, Illumina
Classification: Benign for Isolated focal non-epidermolytic palmoplantar keratoderma. Last evaluated: 2018-01-12. Review status: criteria provided, single submitter. Criteria: ICSL Variant Classification Criteria 13 December 2019. Collection method: clinical testing. Allele origin: germline.
Comment: This variant was observed in the ICSL laboratory as part of a predisposition screen in an ostensibly healthy population. It had not been previously curated by ICSL or reported in the Human Gene Mutation Database (HGMD: prior to June 1st, 2018), and was therefore a candidate for classification through an automated scoring system. Utilizing variant allele frequency, disease prevalence and penetrance estimates, and inheritance mode, an automated score was calculated to assess if this variant is too frequent to cause the disease. Based on the score and internal cut-off values, a variant classified as benign is not then subjected to further curation. The score for this variant resulted in a classification of benign for this disease.